The following is an entry in ClinVar:

ClinVar aggregate classification (germline): Uncertain significance (1 of 4 stars; one submission).

gnomAD v4.1: 17 of 1,612,776 alleles (0.0011%); highest among the groups gnomAD compares: Admixed American, 0.0033%; no homozygotes.

Submission:

Women's Health and Genetics/Laboratory Corporation of America, LabCorp
Classification: Uncertain significance. Last evaluated: 2024-05-29. Review status: criteria provided, single submitter. Criteria: LabCorp Variant Classification Summary - May 2015. Collection method: clinical testing. Allele origin: germline.
Comment: Variant summary: DDX11 c.2371C>T (p.Arg791Trp) results in a non-conservative amino acid change located in the ATP-dependent helicase, C-terminal domain (IPR006555) of the encoded protein sequence. Four of five in-silico tools predict a damaging effect of the variant on protein function. Consensus agreement among computation tools predict no significant impact on normal splicing. However, these predictions have yet to be confirmed by functional studies. The variant allele was found at a frequency of 2.8e-05 in 250802 control chromosomes. The available data on variant occurrences in the general population are insufficient to allow any conclusion about variant significance. c.2371C>T has been reported in the literature in at least one compound heterozygous individual affected with Warsaw Breakage Syndrome(Arroyo-Carrera_2023). These data do not allow any conclusion about variant significance. To our knowledge, no experimental evidence demonstrating an impact on protein function has been reported. The following publication has been ascertained in the context of this evaluation (PMID: 36703504). No submitters have cited clinical-significance assessments for this variant to ClinVar. Based on the evidence outlined above, the variant was classified as uncertain significance.

Literature cited by the submitters: PubMed 36703504.

NM_030653.4(DDX11):c.2371C>T (p.Arg791Trp)

Gene: DDX11 (DEAD/H-box helicase 11; plus strand). Cytogenetic location: 12p11.21.
Variant type: single nucleotide variant.
Coding change: c.2371C>T on transcript NM_030653.4 (MANE Select); coding-DNA position 2371, C replaced by T.
Protein change: p.Arg791Trp; replaces arginine 791 with tryptophan.
Molecular consequence: missense variant. On other transcripts: non-coding transcript variant (4).
Genome position (GRCh38, 1-based): chr12:31,102,526, C>T. VCF-style: chr12-31102526-C-T. GRCh37 (hg19) VCF-style: chr12-31255460-C-T.
Other names: c.2371C>T, p.Arg791Trp (NM_001257144.2, NM_001413692.1, NM_001413693.1 and 4 more transcripts); c.2293C>T, p.Arg765Trp (NM_001257145.2, NM_001413697.1, NM_001413698.1 and 1 more transcripts); c.2284C>T, p.Arg762Trp (NM_001413700.1); c.1843C>T, p.Arg615Trp (NM_001413702.1, NM_001413703.1); c.1510C>T, p.Arg504Trp (NM_001413704.1, NM_001413705.1); c.1405C>T, p.Arg469Trp (NM_001413706.1); c.2221C>T, p.Arg741Trp (NM_004399.3); short protein forms R469W, R504W, R615W, R741W, R762W, R765W, R791W.
Identifiers: ClinVar variation 3336309 (VCV003336309.2).